The following is an entry in ClinVar:

NM_198576.4(AGRN):c.5651+5C>T

Gene: AGRN (agrin; plus strand). Cytogenetic location: 1p36.33.
Variant type: single nucleotide variant.
Coding change: c.5651+5C>T on transcript NM_198576.4 (MANE Select); 5 bases into the intron after coding-DNA position 5651, C replaced by T.
Molecular consequence: intron variant.
Genome position (GRCh38, 1-based): chr1:1,051,820, C>T. VCF-style: chr1-1051820-C-T. GRCh37 (hg19) VCF-style: chr1-987200-C-T.
Other names: c.5651+5C>T (LRG_198t1); c.5663+5C>T (NM_001305275.2); c.5348+5C>T (NM_001364727.2).
Identifiers: ClinVar variation 128317 (VCV000128317.21), dbSNP rs9803031, ClinGen allele CA151681.

ClinVar aggregate classification (germline): Benign. Review status: criteria provided, multiple submitters, no conflicts (2 of 4 stars). 8 submissions from 8 submitters: Benign (8). Last evaluated 2026-02-04.

Conditions:
Congenital myasthenic syndrome 8. Also called: Myasthenic syndrome, congenital, 8, with pre- and postsynaptic defects; MYASTHENIC SYNDROME, CONGENITAL, DUE TO AGRIN DEFICIENCY. Identifiers: Orphanet 590, MedGen C3808739, MONDO:0014052, OMIM 615120.

Allele frequency attached by ClinVar (database versions not stated): ESP Exome Variant Server 0.75692; TOPMed 0.76657; gnomAD 0.77551 and 0.78522; 1000 Genomes Project 30x 0.78139; 1000 Genomes Project 0.78874; ExAC 0.87569.
gnomAD v4.1: 1,438,389 of 1,613,352 alleles (89%); highest among the groups gnomAD compares: East Asian, 100%; 650,064 homozygotes.

Submissions (8):

Labcorp Genetics (formerly Invitae), Labcorp
Classification: Benign for Congenital myasthenic syndrome 8. Last evaluated: 2026-02-04. Review status: criteria provided, single submitter. Criteria: Invitae Variant Classification Sherloc (09022015). Collection method: clinical testing. Allele origin: germline.

Blueprint Genetics
Classification: Benign. Last evaluated: 2024-11-26. Review status: criteria provided, single submitter. Criteria: ACMG Guidelines, 2015. Collection method: clinical testing. Allele origin: germline.

Genome-Nilou Lab
Classification: Benign for Congenital myasthenic syndrome 8. Last evaluated: 2021-07-14. Review status: criteria provided, single submitter. Criteria: ACMG Guidelines, 2015. Collection method: clinical testing. Allele origin: germline. Affected: no.

Mayo Clinic Laboratories, Mayo Clinic
Classification: Benign. Last evaluated: 2017-10-11. Review status: criteria provided, single submitter. Criteria: ACMG Guidelines, 2015. Collection method: clinical testing. Allele origin: germline. Observed: 427 variant alleles.

GeneDx
Classification: Benign. Last evaluated: 2016-01-19. Review status: criteria provided, single submitter. Criteria: GeneDx Variant Classification (06012015). Collection method: clinical testing. Allele origin: germline. Affected: yes.
Comment: This variant is considered likely benign or benign based on one or more of the following criteria: it is a conservative change, it occurs at a poorly conserved position in the protein, it is predicted to be benign by multiple in silico algorithms, and/or has population frequency not consistent with disease.

Genetic Services Laboratory, University of Chicago
Classification: Benign for AllHighlyPenetrant. Last evaluated: 2013-08-15. Review status: criteria provided, single submitter. Criteria: ACMG Guidelines, 2007. Collection method: clinical testing. Allele origin: germline. Inheritance: Autosomal recessive inheritance.

Breakthrough Genomics
Classification: Benign. Review status: criteria provided, single submitter. Criteria: ACMG Guidelines, 2015. Collection method: not provided. Allele origin: germline. Inheritance: Autosomal recessive inheritance. Affected: yes.

PreventionGenetics, part of Exact Sciences
Classification: Benign. Review status: criteria provided, single submitter. Criteria: ACMG Guidelines, 2015. Collection method: clinical testing. Allele origin: germline.